The following is an entry in ClinVar:

NM_000400.4(ERCC2):c.1554del (p.Asn519fs)

Gene: ERCC2 (ERCC excision repair 2, TFIIH core complex helicase subunit; minus strand). Cytogenetic location: 19q13.32.
Variant type: Deletion.
Coding change: c.1554del on transcript NM_000400.4 (MANE Select); coding-DNA position 1554, one base deleted (G; older notation c.1554delG).
Protein change: p.Asn519fs; shifts the reading frame from asparagine 519.
Molecular consequence: frameshift variant. On other transcripts: non-coding transcript variant (3).
Genome position (GRCh38, 1-based): chr19:45,354,841, C deleted on the plus strand (G on the coding strand, the reverse complement: ERCC2 is on the minus strand); the first of 2 consecutive C bases (chr19:45,354,841-45,354,842); deleting either gives the same sequence. VCF-style (leftmost placement, unchanged base first): chr19-45354840-TC-T. GRCh37 (hg19) VCF-style: chr19-45858098-TC-T.
Other names: c.1482del, p.Asn495fs (NM_001440355.1); c.1476del, p.Asn493fs (NM_001440356.1); c.1431del, p.Asn478fs (NM_001440357.1); short protein forms N478fs, N495fs, N519fs, N493fs.
Identifiers: ClinVar variation 5004357 (VCV005004357.1).

ClinVar aggregate classification (germline): Pathogenic (1 of 4 stars; one submission).

Conditions:
ERCC2-related disorder. Also called: ERCC2-related conditions; ERCC2-related condition; ERCC2-related disorders. Identifiers: MedGen CN239291.

Submission:

Myriad Genetics, Inc.
Classification: Pathogenic for ERCC2-related disorder. Last evaluated: 2025-12-31. Review status: criteria provided, single submitter. Criteria: Myriad Autosomal Dominant, Autosomal Recessive and X-Linked Classification Criteria (2023). Collection method: clinical testing. Allele origin: unknown.
Comment: NM_000400.3(ERCC2):c.1554delG(N519Tfs*190) is a frameshift variant classified as pathogenic in the context of ERCC2-related disorders. N519Tfs*190 has not been observed in cases with relevant disease. Relevant functional assessments of this variant are not available in the literature. N519Tfs*190 has not been observed in referenced population frequency databases. In summary, NM_000400.3(ERCC2):c.1554delG(N519Tfs*190) is a frameshift variant in a gene where loss of function is a known mechanism of disease and is predicted to disrupt protein function. Please note: this variant was assessed in the context of healthy population screening.